The following is an entry in ClinVar:

NM_004588.5(SCN2B):c.34T>G (p.Phe12Val)

Gene: SCN2B (sodium voltage-gated channel beta subunit 2; minus strand). Cytogenetic location: 11q23.3.
Variant type: single nucleotide variant.
Coding change: c.34T>G on transcript NM_004588.5 (MANE Select); coding-DNA position 34, T replaced by G.
Protein change: p.Phe12Val; replaces phenylalanine 12 with valine.
Molecular consequence: missense variant.
Genome position (GRCh38, 1-based): chr11:118,176,398, A>C on the plus strand (T>G on the coding strand, the complement: SCN2B is on the minus strand). VCF-style: chr11-118176398-A-C. GRCh37 (hg19) VCF-style: chr11-118047113-A-C.
Other names: short protein forms F12V.
Identifiers: ClinVar variation 1732062 (VCV001732062.2), dbSNP rs2497612420, ClinGen allele CA382771455.
Genomic context (GRCh38, chr11:118,176,398, plus strand): 5'-AGCATGCAGATGTGTCTAACTTACCCAAAGAGAAAAAGAGACTGAGCCCCGTGAGGCTGA[A>C]GGCAGGGCGAGGTAGCCAGGCATCTCTGTGCATTTTCAGAGACTGAGATGTTAGTCGGGT-3'
Protein context (NP_004579.1, residues 2-22): HRDAWLPRPA[Phe12Val]SLTGLSLFFS

ClinVar aggregate classification (germline): Uncertain significance (1 of 4 stars; one submission).

Conditions:
Cardiovascular phenotype. Identifiers: MedGen CN230736.

Submission:

Ambry Genetics
Classification: Uncertain significance for Cardiovascular phenotype. Last evaluated: 2022-02-04. Review status: criteria provided, single submitter. Criteria: Ambry Variant Classification Scheme 2023. Collection method: clinical testing. Allele origin: germline.
Comment: The p.F12V variant (also known as c.34T>G), located in coding exon 1 of the SCN2B gene, results from a T to G substitution at nucleotide position 34. The phenylalanine at codon 12 is replaced by valine, an amino acid with highly similar properties. This amino acid position is conserved. In addition, the in silico prediction for this alteration is inconclusive. Since supporting evidence is limited at this time, the clinical significance of this alteration remains unclear.